The following is an entry in ClinVar:

NM_001129.5(AEBP1):c.218del (p.Gly73fs)

Gene: AEBP1 (AE binding protein 1; plus strand). Cytogenetic location: 7p13.
Variant type: Deletion.
Coding change: c.218del on transcript NM_001129.5 (MANE Select); coding-DNA position 218, one base deleted (G; older notation c.218delG).
Protein change: p.Gly73fs; shifts the reading frame from glycine 73.
Molecular consequence: frameshift variant.
Genome position (GRCh38, 1-based): chr7:44,104,883, G deleted; the last of 6 consecutive G bases (chr7:44,104,878-44,104,883); deleting any one gives the same sequence. VCF-style (leftmost placement, unchanged base first): chr7-44104877-CG-C. GRCh37 (hg19) VCF-style: chr7-44144476-CG-C.
Other names: short protein forms G73fs.
Identifiers: ClinVar variation 2695350 (VCV002695350.3), dbSNP rs112298043, ClinGen allele CA4237431.

ClinVar aggregate classification (germline): Pathogenic (1 of 4 stars; one submission).

Submission:

Labcorp Genetics (formerly Invitae), Labcorp
Classification: Pathogenic. Last evaluated: 2023-11-12. Review status: criteria provided, single submitter. Criteria: Invitae Variant Classification Sherloc (09022015). Collection method: clinical testing. Allele origin: germline.
Comment: This sequence change creates a premature translational stop signal (p.Gly73Alafs*219) in the AEBP1 gene. It is expected to result in an absent or disrupted protein product. Loss-of-function variants in AEBP1 are known to be pathogenic (PMID: 29606302). This variant is present in population databases (rs112298043, gnomAD 0.008%). This variant has not been reported in the literature in individuals affected with AEBP1-related conditions. For these reasons, this variant has been classified as Pathogenic.

Literature cited by the submitters: PubMed 29606302.